The following is an entry in ClinVar:

NM_000310.4(PPT1):c.541G>A (p.Val181Met)

Gene: PPT1 (palmitoyl-protein thioesterase 1; minus strand). Cytogenetic location: 1p34.2.
Variant type: single nucleotide variant.
Coding change: c.541G>A on transcript NM_000310.4 (MANE Select); coding-DNA position 541, G replaced by A.
Protein change: p.Val181Met; replaces valine 181 with methionine.
Molecular consequence: missense variant.
Genome position (GRCh38, 1-based): chr1:40,080,483, C>T on the plus strand (G>A on the coding strand, the complement: PPT1 is on the minus strand). VCF-style: chr1-40080483-C-T. GRCh37 (hg19) VCF-style: chr1-40546155-C-T.
Other names: c.232G>A, p.Val78Met (NM_001142604.2); c.541G>A, p.Val181Met (NM_001363695.2); short protein forms V181M, V78M.
Identifiers: ClinVar variation 188857 (VCV000188857.32), dbSNP rs148412181, ClinGen allele CA274047.
Genomic context (GRCh38, chr1:40,080,483, plus strand): 5'-AGATGCTGTGGTTGCGATACACATCCTCCTTTATGGGGTCATGCCAGTATTCGGCTTGCA[C>T]GAGGCTGTAGGAAAAAAAAAGAATGAGGTGATCAAGCTACAGGTCAGTCAGTACGCCCAG-3'
Protein context (NP_000301.1, residues 171-191): AYSKVVQERL[Val181Met]QAEYWHDPIK

ClinVar aggregate classification (germline): Pathogenic. Review status: criteria provided, multiple submitters, no conflicts (2 of 4 stars). 14 submissions from 14 submitters: Pathogenic (13). 1 of the submissions does not count toward it. Last evaluated 2025-12-23.

Conditions:
PPT1-related disorder. Also called: PPT1-related condition.
Inborn genetic diseases. Identifiers: MedGen C0950123, MeSH D030342.
Retinitis pigmentosa (RP). Identifiers: Orphanet 791, MedGen C0035334, MeSH D012174, MONDO:0019200, OMIM 268000. Inheritance: Autosomal dominant, autosomal recessive and X linked inheritance.
Neuronal ceroid lipofuscinosis 1 (CLN1). Also called: PPT1-Related Neuronal Ceroid-Lipofuscinosis; CEROID LIPOFUSCINOSIS, NEURONAL, 1, VARIABLE AGE AT ONSET. Identifiers: Orphanet 228329, MedGen C1850451, MONDO:0009744, OMIM 256730.

Allele frequency attached by ClinVar (database versions not stated): TOPMed 0.00003; gnomAD 0.00006; ESP Exome Variant Server 0.00008.
gnomAD v4.1: 93 of 1,613,306 alleles (0.0058%); highest among the groups gnomAD compares: Non-Finnish European, 0.0075%; no homozygotes.

Submissions (14):

Labcorp Genetics (formerly Invitae), Labcorp
Classification: Pathogenic for Neuronal ceroid lipofuscinosis 1. Last evaluated: 2025-12-23. Review status: criteria provided, single submitter. Criteria: Invitae Variant Classification Sherloc (09022015). Collection method: clinical testing. Allele origin: germline.
Comment: This sequence change replaces valine, which is neutral and non-polar, with methionine, which is neutral and non-polar, at codon 181 of the PPT1 protein (p.Val181Met). This variant is present in population databases (rs148412181, gnomAD 0.02%). This missense change has been observed in individuals with neuronal ceroid lipofucinosis (NCL) (PMID: 9664077, 10191107, 10649502, 15464427, 19302939, 22387303, 23374165, 30541466). It has also been observed to segregate with disease in related individuals. ClinVar contains an entry for this variant (Variation ID: 188857). Invitae Evidence Modeling of protein sequence and biophysical properties (such as structural, functional, and spatial information, amino acid conservation, physicochemical variation, residue mobility, and thermodynamic stability) indicates that this missense variant is expected to disrupt PPT1 protein function with a positive predictive value of 95%. Experimental studies have shown that this missense change affects PPT1 function (PMID: 9664077, 11440996, 28878621). This variant disrupts the p.Val181 amino acid residue in PPT1. Other variant(s) that disrupt this residue have been determined to be pathogenic (PMID: 19302939, 21499717). This suggests that this residue is clinically significant, and that variants that disrupt this residue are likely to be disease-causing. For these reasons, this variant has been classified as Pathogenic.

Dasa
Classification: Pathogenic. Last evaluated: 2025-11-17. Review status: criteria provided, single submitter. Criteria: DASA Assertion Criteria. Collection method: clinical testing. Allele origin: germline.
Comment: NM_000310.4(PPT1):c.541G>A (p.Val181Met) is a missense variant that results in the substitution of valine with methionine. The affected residue or protein region has prior evidence supporting clinical relevance. This variant has been observed in affected individuals with related phenotype in a genotype context consistent with recessive disease (PMID: 22387303; PMID: 9664077). This variant has been recurrently observed in individuals with related phenotype (PMID: 22387303; PMID: 9664077). Multiple computational predictions support a deleterious effect on the gene or gene product. The variant is present at low frequency in population datasets. Based on the available data, this variant is classified as pathogenic.

Natera, Inc.
Classification: Pathogenic for Neuronal ceroid lipofuscinosis 1. Last evaluated: 2025-10-29. Review status: criteria provided, single submitter. Criteria: Natera Variant Classification Schema (03/2026). Collection method: clinical testing. Allele origin: germline.
Comment: The c.541G>A variant in PPT1 is a missense variant predicted to cause substitution of valine to methionine at amino acid 181. This variant is rare in the general population with a frequency below the threshold expected for the associated phenotype(s). This variant has been observed in one or more individuals affected with the associated recessive disease, as either homozygous or compound heterozygous with a second variant (PMID: 9664077, 22387303). Given the available evidence, this variant is classified as Pathogenic.

Fulgent Genetics
Classification: Pathogenic for Neuronal ceroid lipofuscinosis 1. Last evaluated: 2024-06-03. Review status: criteria provided, single submitter. Criteria: ACMG Guidelines, 2015. Collection method: clinical testing. Allele origin: germline.

Baylor Genetics
Classification: Pathogenic for Neuronal ceroid lipofuscinosis 1. Last evaluated: 2024-03-10. Review status: criteria provided, single submitter. Criteria: ACMG Guidelines, 2015. Collection method: clinical testing. Allele origin: unknown.

Blueprint Genetics
Classification: Pathogenic for PPT1-related disorders. Last evaluated: 2023-10-27. Review status: criteria provided, single submitter. Criteria: ACMG Guidelines, 2015. Collection method: clinical testing. Allele origin: germline. Affected: yes. Observed: 5 variant alleles.

GeneDx
Classification: Pathogenic. Last evaluated: 2022-06-22. Review status: criteria provided, single submitter. Criteria: GeneDx Variant Classification Process June 2021. Collection method: clinical testing. Allele origin: germline. Affected: yes.
Comment: Published functional studies demonstrate that V181M results in almost complete loss of wild-type function (Das et al., 2001); Located in the palmitate-binding site and it is hypothesized that the V181M substitution alters the active site pocket (Ohno et al., 2010); In silico analysis supports that this missense variant has a deleterious effect on protein structure/function; This variant is associated with the following publications: (PMID: 15464427, 12796825, 12125808, 28878621, 11073228, 11589007, 21990111, 21499717, 24091420, 15965709, 10649502, 31589614, 30541466, 33726816, 23374165, 33849402, 22387303, 11440996, 19793631, 9664077)

Revvity Omics, Revvity
Classification: Pathogenic for Neuronal ceroid lipofuscinosis 1. Last evaluated: 2022-03-14. Review status: criteria provided, single submitter. Criteria: ACMG Guidelines, 2015. Collection method: clinical testing. Allele origin: germline.

Centre for Inherited Metabolic Diseases, Karolinska University Hospital
Classification: Pathogenic for Neuronal ceroid lipofuscinosis 1. Last evaluated: 2021-04-12. Review status: criteria provided, single submitter. Criteria: ACMG Guidelines, 2015. Collection method: clinical testing. Allele origin: germline. Inheritance: Autosomal recessive inheritance. Affected: yes. Observed: 1 compound heterozygote.

Broad Center for Mendelian Genomics, Broad Institute of MIT and Harvard
Classification: Pathogenic for Retinitis pigmentosa. Last evaluated: 2021-04-01. Review status: criteria provided, single submitter. Criteria: ACMG Guidelines, 2015. Collection method: curation. Allele origin: germline. Inheritance: Autosomal recessive inheritance. Affected: yes.
Comment: Through a review of available evidence we were able to apply the following criteria: PM2, PP3, PM3, PS3, PP1-M, PM1. Based on this evidence we have classified this variant as Pathogenic. If you have any questions about the classification please reach out to the Pierce Lab.

Ambry Genetics
Classification: Pathogenic for Inborn genetic diseases. Last evaluated: 2019-07-19. Review status: criteria provided, single submitter. Criteria: Ambry Variant Classification Scheme 2023. Collection method: clinical testing. Allele origin: germline.
Comment: The p.V181M pathogenic mutation (also known as c.541G>A), located in coding exon 6 of the PPT1 gene, results from a G to A substitution at nucleotide position 541. The valine at codon 181 is replaced by methionine, an amino acid with highly similar properties. This mutation has been identified in multiple individuals with neuronal ceroid lipofuscinosis, including in the homozygous state in 3 individuals from 2 families (Das AK et al. J. Clin. Invest., 1998 Jul;102:361-70; Waliany S et al. Hum. Mutat., 2000 Feb;15:206-7; Mole SE et al. Hum. Mutat., 1999;14:199-215; Teixeira C et al. J. Neurol., 2003 Jun;250:661-7; P&eacute;rez Poyato MS et al. Gene, 2012 May;499:297-302; Santorelli FM et al. Orphanet J Rare Dis, 2013 Feb;8:19; Sheth J et al. BMC Neurol, 2018 Dec;18:203). Analysis of this mutation in SF9 cells as well as patient derived lymphoblasts showed o detectable palmitoyl-protein thioesterase activity (Das AK et al. Hum. Mol. Genet., 2001 Jun;10:1431-9). Another study suggested abnormal processing of protein containing this mutation (Pezzini F et al. Front Mol Neurosci, 2017 Aug;10:266). Based on the supporting evidence, this alteration is interpreted as a disease-causing mutation.

Women's Health and Genetics/Laboratory Corporation of America, LabCorp
Classification: Pathogenic for Neuronal ceroid lipofuscinosis 1. Last evaluated: 2019-03-11. Review status: criteria provided, single submitter. Criteria: LabCorp Variant Classification Summary - May 2015. Collection method: clinical testing. Allele origin: germline.
Comment: Variant summary: PPT1 c.541G>A (p.Val181Met) results in a conservative amino acid change in the encoded protein sequence. Four of five in-silico tools predict a damaging effect of the variant on protein function. The variant allele was found at a frequency of 8.7e-05 in 277014 control chromosomes (gnomAD). This frequency is not significantly higher than expected for a pathogenic variant in PPT1 causing Neuronal Ceroid-Lipofuscinosis (Batten Disease) (8.7e-05 vs 0.00073), allowing no conclusion about variant significance. c.541G>A has been reported in the literature in multiple homozygous and compound heterozygous individuals affected with Neuronal Ceroid-Lipofuscinosis (Batten Disease, Das_1998, Santorelli_2013, Poyato_2012). These data indicate that the variant is very likely to be associated with disease. At least one publication reports experimental evidence evaluating an impact on protein enzyme activity. The most pronounced variant effect results in <10% of normal activity (Das_1998, Poyato_2012). No clinical diagnostic laboratories have submitted clinical-significance assessments for this variant to ClinVar after 2014. Based on the evidence outlined above, the variant was classified as pathogenic.

Equipe Genetique des Anomalies du Developpement, Université de Bourgogne
Classification: Pathogenic for Neuronal ceroid lipofuscinosis 1. Last evaluated: 2016-01-04. Review status: criteria provided, single submitter. Criteria: ACMG Guidelines, 2015. Collection method: clinical testing. Allele origin: inherited. Affected: yes.

Counsyl
Classification: Likely pathogenic for Ceroid lipofuscinosis neuronal 1. Last evaluated: 2014-06-27. Review status: no assertion criteria provided. Collection method: literature only. Allele origin: unknown. Inheritance: Autosomal recessive inheritance. Not counted in ClinVar's aggregate classification.

Literature cited by the submitters: PubMed 9664077 (cited by 7 submitters); PubMed 10191107 (cited by Labcorp Genetics (formerly Invitae), Labcorp and Broad Center for Mendelian Genomics, Broad Institute of MIT and Harvard); PubMed 10649502 (cited by 4 submitters); PubMed 15464427 (cited by 3 submitters); PubMed 19302939 (cited by Labcorp Genetics (formerly Invitae), Labcorp and Broad Center for Mendelian Genomics, Broad Institute of MIT and Harvard); PubMed 22387303 (cited by 6 submitters); PubMed 23374165 (cited by 5 submitters); PubMed 30541466 (cited by 3 submitters); PubMed 11440996 (cited by 4 submitters); PubMed 28878621 (cited by 3 submitters); PubMed 21499717 (cited by Labcorp Genetics (formerly Invitae), Labcorp and Broad Center for Mendelian Genomics, Broad Institute of MIT and Harvard); PubMed 34906470 (cited by Broad Center for Mendelian Genomics, Broad Institute of MIT and Harvard); PubMed 11073228 (cited by Broad Center for Mendelian Genomics, Broad Institute of MIT and Harvard and Counsyl); PubMed 12796825 (cited by 3 submitters); PubMed 10477428 (cited by Ambry Genetics).